The following is an entry in ClinVar:

NM_138413.4(HOGA1):c.250del (p.Phe83_Leu84insTer)

Gene: HOGA1 (4-hydroxy-2-oxoglutarate aldolase 1; plus strand). Cytogenetic location: 10q24.2.
Variant type: Deletion.
Coding change: c.250del on transcript NM_138413.4 (MANE Select); coding-DNA position 250, one base deleted (C; older notation c.250delC).
Protein change: p.Phe83_Leu84insTer.
Molecular consequence: nonsense. On other transcripts: intron variant (1).
Genome position (GRCh38, 1-based): chr10:97,598,813, C deleted; the last of 2 consecutive C bases (chr10:97,598,812-97,598,813); deleting either gives the same sequence. VCF-style (leftmost placement, unchanged base first): chr10-97598811-TC-T. GRCh37 (hg19) VCF-style: chr10-99358568-TC-T.
Other names: c.212-3044del (NM_001134670.2).
Identifiers: ClinVar variation 2664385 (VCV002664385.1), dbSNP rs1325819099, ClinGen allele CA595641355.

ClinVar aggregate classification (germline): Likely pathogenic (1 of 4 stars; one submission).

Conditions:
Primary hyperoxaluria type 3. Also called: PH III. Identifiers: Orphanet 416, Orphanet 93600, MedGen C3150878, MONDO:0013327, OMIM 613616. Disease mechanism: loss of function.

Submission:

Clinical Biochemistry Laboratory, Health Services Laboratory
Classification: Likely pathogenic for Primary hyperoxaluria type 3. Last evaluated: 2023-10-27. Review status: criteria provided, single submitter. Criteria: ACMG Guidelines, 2015. Collection method: curation. Allele origin: germline.
Comment: ACMG:PVS1 PM2